The following is an entry in ClinVar:

NC_000016.10:g.67660478T>C

Gene: ACD (ACD shelterin complex subunit and telomerase recruitment factor; minus strand). Cytogenetic location: 16q22.1.
Variant type: single nucleotide variant.
Genome position: GRCh38 VCF-style: chr16-67660478-T-C. GRCh37 (hg19) VCF-style: chr16-67694381-T-C.
Identifiers: ClinVar variation 1440287 (VCV001440287.6), dbSNP rs1308323945, ClinGen allele CA396360370.
Genomic context (GRCh38, chr16:67,660,478, plus strand): 5'-GTGCACGGGATGCTGGCCCGTTTACTCTCATCGCGGCGTCACTCTGACAGCGGCCAGGCA[T>C]TTGGGCCGTTCGTCAAGATTCCTGTGGTACCGGTAGGGAACAGAACAAGGGCTGGTCCCG-3'

ClinVar aggregate classification (germline): Uncertain significance (1 of 4 stars; one submission).

Conditions:
Dyskeratosis congenita, autosomal dominant 6 (DKCA6). Identifiers: Orphanet 3322, MedGen C4225284, MONDO:0014690, OMIM 616553.

Submission:

Labcorp Genetics (formerly Invitae), Labcorp
Classification: Uncertain significance for Dyskeratosis congenita, autosomal dominant 6. Last evaluated: 2025-06-16. Review status: criteria provided, single submitter. Criteria: Invitae Variant Classification Sherloc (09022015). Collection method: clinical testing. Allele origin: germline.
Comment: This sequence change affects the initiator codon of the ACD mRNA. This change may impact translation initiation or efficiency. The next in-frame methionine is located at codon 11. This variant is not present in population databases (gnomAD no frequency). This variant has not been reported in the literature in individuals affected with ACD-related conditions. ClinVar contains an entry for this variant (Variation ID: 1440287). Experimental studies and prediction algorithms are not available or were not evaluated, and the functional significance of this variant is currently unknown. In summary, the available evidence is currently insufficient to determine the role of this variant in disease. Therefore, it has been classified as a Variant of Uncertain Significance.